The following is an entry in ClinVar:

ClinVar aggregate classification (germline): Likely benign (0 of 4 stars; one submission).

Conditions:
NFIA-Related Disorder. Also called: NFIA-related condition; NFIA-related disorders. Identifiers: MedGen CN381099.

Submission:

PreventionGenetics, part of Exact Sciences
Classification: Likely benign for NFIA-related condition. Last evaluated: 2019-04-01. Review status: no assertion criteria provided. Collection method: clinical testing. Allele origin: germline.
Comment: This variant is classified as likely benign based on ACMG/AMP sequence variant interpretation guidelines (Richards et al. 2015 PMID: 25741868, with internal and published modifications).

NM_001134673.4(NFIA):c.1255-8_1255-7insG

Gene: NFIA (nuclear factor I A; plus strand). Cytogenetic location: 1p31.3.
Variant type: Insertion.
Coding change: c.1255-8_1255-7insG on transcript NM_001134673.4 (MANE Select); 8 bases into the intron before coding-DNA position 1255 through 7 bases into the intron before coding-DNA position 1255, G inserted.
Molecular consequence: intron variant.
Genome position: GRCh38 VCF-style: chr1-61406554-C-CG. GRCh37 (hg19) VCF-style: chr1-61872226-C-CG.
Other names: c.1231-8_1231-7insG (NM_001145511.2); c.1390-8_1390-7insG (NM_001145512.2); c.1255-8_1255-7insG (NM_005595.5).
Identifiers: ClinVar variation 3045812 (VCV003045812.2), dbSNP rs774320938, ClinGen allele CA881240.